The following is an entry in ClinVar:

NM_017433.5(MYO3A):c.4513C>A (p.Pro1505Thr)

Gene: MYO3A (myosin IIIA; plus strand). Cytogenetic location: 10p12.1.
Variant type: single nucleotide variant.
Coding change: c.4513C>A on transcript NM_017433.5 (MANE Select); coding-DNA position 4513, C replaced by A.
Protein change: p.Pro1505Thr; replaces proline 1505 with threonine.
Molecular consequence: missense variant.
Genome position (GRCh38, 1-based): chr10:26,193,279, C>A. VCF-style: chr10-26193279-C-A. GRCh37 (hg19) VCF-style: chr10-26482208-C-A.
Other names: short protein forms P1505T.
Identifiers: ClinVar variation 4686892 (VCV004686892.1).

ClinVar aggregate classification (germline): Uncertain significance (1 of 4 stars; one submission).

gnomAD v4.1: 7 of 1,613,484 alleles (0.00043%); highest among the groups gnomAD compares: Admixed American, 0.0067%; no homozygotes.

Submission:

GeneDx
Classification: Uncertain significance. Last evaluated: 2025-07-20. Review status: criteria provided, single submitter. Criteria: GeneDx Variant Classification Process June 2021. Collection method: clinical testing. Allele origin: germline. Affected: yes.
Comment: Not observed at significant frequency in large population cohorts (gnomAD); In silico analysis suggests that this missense variant does not alter protein structure/function; Has not been previously published as pathogenic or benign to our knowledge